The following is an entry in ClinVar:

NM_001378615.1(CC2D2A):c.2763G>A (p.Val921=)

Genes: CC2D2A (coiled-coil and C2 domain containing 2A; plus strand), FBXL5 (F-box and leucine rich repeat protein 5; minus strand). Cytogenetic location: 4p15.32.
Variant type: single nucleotide variant.
Coding change: c.2763G>A on transcript NM_001378615.1 (MANE Select); coding-DNA position 2763, G replaced by A.
Protein change: p.Val921=; no amino-acid change (valine 921 retained).
Molecular consequence: synonymous variant.
Genome position (GRCh38, 1-based): chr4:15,557,441, G>A. VCF-style: chr4-15557441-G-A. GRCh37 (hg19) VCF-style: chr4-15559064-G-A.
Other names: c.2763G>A, p.Val921= (NM_001080522.2); c.2616G>A, p.Val872= (NM_001378617.1).
Identifiers: ClinVar variation 4085597 (VCV004085597.8).
Genomic context (GRCh38, chr4:15,557,441, plus strand): 5'-AGATCAAGAATTAAATAGATCCAAACGATTTAGGCTTCTTCATCTTAGAAGCCAAGAGGT[G>A]CCAGAATTCCGAAATTATAAGCAAGTTCCAGTCTATGACCGAGAAATTATGGAAAAGGTA-3'
Protein context (NP_001365544.1, residues 911-931): FRLLHLRSQE[Val921=]PEFRNYKQVP

ClinVar aggregate classification (germline): Likely benign (1 of 4 stars; one submission).

Submission:

CeGaT Center for Human Genetics Tuebingen
Classification: Likely benign. Last evaluated: 2025-08-01. Review status: criteria provided, single submitter. Criteria: CeGaT Center For Human Genetics Tuebingen Variant Classification Criteria Version 2. Collection method: clinical testing. Allele origin: germline. Affected: yes. Observed: 1 variant allele.
Comment: CC2D2A: PM2:Supporting, BP4, BP7